The following is an entry in ClinVar:

NM_015978.3(TNNI3K):c.1709T>C (p.Val570Ala)

Genes: FPGT-TNNI3K (FPGT-TNNI3K readthrough; plus strand), TNNI3K (TNNI3 interacting kinase; plus strand). Cytogenetic location: 1p31.1.
Variant type: single nucleotide variant.
Coding change: c.1709T>C on transcript NM_015978.3 (MANE Select); coding-DNA position 1709, T replaced by C.
Protein change: p.Val570Ala; replaces valine 570 with alanine.
Molecular consequence: missense variant.
Genome position (GRCh38, 1-based): chr1:74,370,329, T>C. VCF-style: chr1-74370329-T-C. GRCh37 (hg19) VCF-style: chr1-74836013-T-C.
Other names: c.2012T>C, p.Val671Ala (NM_001112808.3, NM_001199327.2); short protein forms V570A, V671A.
Identifiers: ClinVar variation 3766722 (VCV003766722.1).

ClinVar aggregate classification (germline): Uncertain significance (1 of 4 stars; one submission).

Conditions:
Atrial conduction disease. Identifiers: Orphanet 436242, MedGen CN221670, MONDO:0014500.

gnomAD v4.1: 1 of 1,606,624 alleles (0.000062%); highest among the groups gnomAD compares: Middle Eastern, 0.017%; no homozygotes.

Submission:

ARUP Laboratories, Molecular Genetics and Genomics, ARUP Laboratories
Classification: Uncertain significance for Cardiac conduction disease with or without dilated cardiomyopathy 1. Last evaluated: 2024-07-14. Review status: criteria provided, single submitter. Criteria: ARUP Molecular Germline Variant Investigation Process 2024. Collection method: clinical testing. Allele origin: germline.
Comment: The TNNI3K c.1709T>C p.Val570Ala variant (rs780775771), to our knowledge, is not reported in the medical literature or gene specific databases. This variant is only observed on one allele in the Genome Aggregation Database (v2.1.1), indicating it is not a common polymorphism. Computational analyses are uncertain whether this variant is neutral or deleterious (REVEL: 0.386). Due to limited information, the clinical significance of this variant is uncertain at this time.